The following is an entry in ClinVar:

ClinVar aggregate classification (germline): Likely pathogenic. Review status: criteria provided, single submitter (1 of 4 stars). 2 submissions from 2 submitters: Likely pathogenic (1). 1 of the submissions does not count toward it. Last evaluated 2024-01-31.

Conditions:
Deficiency of butyryl-CoA dehydrogenase (ACADSD). Also called: SCAD DEFICIENCY, MILD; SCAD Deficiency; ACADS DEFICIENCY; SCADH DEFICIENCY; ACYL-CoA DEHYDROGENASE, SHORT-CHAIN, DEFICIENCY OF; Short-Chain Acyl-CoA Dehydrogenase Deficiency. Identifiers: Orphanet 26792, MedGen C0342783, MONDO:0008722, OMIM 201470. Disease mechanism: May be benign.

Allele frequency attached by ClinVar (database versions not stated): gnomAD exomes below 0.00001; TOPMed 0.00002; gnomAD 0.00003 and 0.00004.

Submissions (2):

Labcorp Genetics (formerly Invitae), Labcorp
Classification: Likely pathogenic for Deficiency of butyryl-CoA dehydrogenase. Last evaluated: 2024-01-31. Review status: criteria provided, single submitter. Criteria: Invitae Variant Classification Sherloc (09022015). Collection method: clinical testing. Allele origin: germline.
Comment: This sequence change replaces glycine, which is neutral and non-polar, with cysteine, which is neutral and slightly polar, at codon 92 of the ACADS protein (p.Gly92Cys). This variant is present in population databases (rs121908004, gnomAD 0.01%). This missense change has been observed in individual(s) with short-chain acyl-coenzyme A dehydrogenase deficiency (PMID: 9499414). In at least one individual the data is consistent with being in trans (on the opposite chromosome) from a pathogenic variant. ClinVar contains an entry for this variant (Variation ID: 3827). Advanced modeling of protein sequence and biophysical properties (such as structural, functional, and spatial information, amino acid conservation, physicochemical variation, residue mobility, and thermodynamic stability) has been performed at Invitae for this missense variant, however the output from this modeling did not meet the statistical confidence thresholds required to predict the impact of this variant on ACADS protein function. Experimental studies have shown that this missense change affects ACADS function (PMID: 9499414, 14506246). In summary, the currently available evidence indicates that the variant is pathogenic, but additional data are needed to prove that conclusively. Therefore, this variant has been classified as Likely Pathogenic.

OMIM
Classification: Pathogenic for SCAD DEFICIENCY. Last evaluated: 1998-04-01. Review status: no assertion criteria provided. Collection method: literature only. Allele origin: germline. Not counted in ClinVar's aggregate classification.

Literature cited by the submitters: PubMed 9499414 (cited by Labcorp Genetics (formerly Invitae), Labcorp and OMIM); PubMed 14506246 (cited by Labcorp Genetics (formerly Invitae), Labcorp).

NM_000017.4(ACADS):c.274G>T (p.Gly92Cys)

Gene: ACADS (acyl-CoA dehydrogenase short chain; plus strand). Cytogenetic location: 12q24.31.
Variant type: single nucleotide variant.
Coding change: c.274G>T on transcript NM_000017.4 (MANE Select); coding-DNA position 274, G replaced by T.
Protein change: p.Gly92Cys; replaces glycine 92 with cysteine.
Molecular consequence: missense variant.
Genome position (GRCh38, 1-based): chr12:120,737,049, G>T. VCF-style: chr12-120737049-G-T. GRCh37 (hg19) VCF-style: chr12-121174852-G-T.
Other names: G68C; c.274G>T, p.Gly92Cys (NM_001302554.2); short protein forms G92C.
Identifiers: ClinVar variation 3827 (VCV000003827.9), dbSNP rs121908004, ClinGen allele CA252880.